The following is an entry in ClinVar:

ClinVar aggregate classification (germline): Uncertain significance (1 of 4 stars; one submission).

Allele frequency attached by ClinVar (database versions not stated): gnomAD 0.00002 and 0.00003; TOPMed 0.00004 and 0.00003.
gnomAD v4.1: 3 of 156,514 alleles (0.0019%); highest among the groups gnomAD compares: Non-Finnish European, 0.0028%; no homozygotes.

Submission:

GeneDx
Classification: Uncertain significance. Last evaluated: 2014-08-14. Review status: criteria provided, single submitter. Criteria: GeneDx Variant Classification (06012015). Collection method: clinical testing. Allele origin: germline. Affected: yes.
Comment: c.-66+1 G>A: IVS1+1 G>A in intron 1 of the PRRT2 gene (NM_145239.2)A variant of unknown significance has been identified in the PRRT2 gene. The c.-66+1 G>A variant has not been published as a mutation, nor has it been reported as a benign polymorphism to our knowledge. The c.-66+1 G>A variant destroys the canonical splice donor site of non-coding exon 1, either leading to the inclusion of abnormal sequence into the 5' UTR or deletion of sequence normally included in the 5' UTR. However, to our knowledge, no regulatory mutations have been reported in the PRRT2 gene. Additionally, in the absence of RNA/functional studies, the actual effect of the c.-66+1 G>A sequence change is unknown. Therefore, based on the currently available information, it is unclear whether this variant is a pathogenic mutation or a rare benign variant. The variant is found in EPILEPSY panel(s).

NM_145239.3(PRRT2):c.-66+1G>A

Genes: MVP-DT (MVP divergent transcript; minus strand), PRRT2 (proline rich transmembrane protein 2; plus strand). Cytogenetic location: 16p11.2.
Variant type: single nucleotide variant.
Coding change: c.-66+1G>A on transcript NM_145239.3 (MANE Select); the canonical splice donor site of the intron after 66 bases upstream of the start codon, G replaced by A.
Molecular consequence: splice donor variant. On other transcripts: 5 prime UTR variant (1).
Genome position (GRCh38, 1-based): chr16:29,812,324, G>A. VCF-style: chr16-29812324-G-A. GRCh37 (hg19) VCF-style: chr16-29823645-G-A.
Other names: c.-93G>A (NM_001256443.2); c.-66+1G>A (NM_001256442.2).
Identifiers: ClinVar variation 206694 (VCV000206694.2), dbSNP rs796052939, ClinGen allele CA317043.